The following is an entry in ClinVar:

ClinVar aggregate classification (germline): Pathogenic/Likely pathogenic. Review status: criteria provided, multiple submitters, no conflicts (2 of 4 stars). 4 submissions from 4 submitters: Pathogenic (1); Likely pathogenic (2). 1 of the submissions does not count toward it. Last evaluated 2024-02-11.

Conditions:
Galactosylceramide beta-galactosidase deficiency. Also called: GALACTOCEREBROSIDASE DEFICIENCY; GALC DEFICIENCY; GLOBOID CELL LEUKOENCEPHALOPATHY; Leukodystrophy, Globoid Cell; Krabbe Disease. Identifiers: Orphanet 487, MedGen C0023521, MONDO:0009499, OMIM 245200.

Allele frequency attached by ClinVar (database versions not stated): gnomAD exomes below 0.00001; TOPMed below 0.00001.
gnomAD v4.1: 2 of 1,612,868 alleles (0.00012%); highest among the groups gnomAD compares: Non-Finnish European, 0.00017%; no homozygotes.

Submissions (4):

Labcorp Genetics (formerly Invitae), Labcorp
Classification: Pathogenic for Galactosylceramide beta-galactosidase deficiency. Last evaluated: 2024-02-11. Review status: criteria provided, single submitter. Criteria: Invitae Variant Classification Sherloc (09022015). Collection method: clinical testing. Allele origin: germline.
Comment: This sequence change replaces tyrosine, which is neutral and polar, with asparagine, which is neutral and polar, at codon 490 of the GALC protein (p.Tyr490Asn). This variant is not present in population databases (gnomAD no frequency). This missense change has been observed in individual(s) with Krabbe disease (PMID: 20886637, 21824559). In at least one individual the data is consistent with being in trans (on the opposite chromosome) from a pathogenic variant. This variant is also known as p.Tyr474Asn. ClinVar contains an entry for this variant (Variation ID: 431995). Advanced modeling of protein sequence and biophysical properties (such as structural, functional, and spatial information, amino acid conservation, physicochemical variation, residue mobility, and thermodynamic stability) performed at Invitae indicates that this missense variant is expected to disrupt GALC protein function with a positive predictive value of 95%. Experimental studies have shown that this missense change affects GALC function (PMID: 27638593). For these reasons, this variant has been classified as Pathogenic.

Women's Health and Genetics/Laboratory Corporation of America, LabCorp
Classification: Likely pathogenic for Galactosylceramide beta-galactosidase deficiency. Last evaluated: 2023-07-20. Review status: criteria provided, single submitter. Criteria: LabCorp Variant Classification Summary - May 2015. Collection method: clinical testing. Allele origin: germline.
Comment: Variant summary: GALC c.1468T>A (p.Tyr490Asn) results in a non-conservative amino acid change in the encoded protein sequence. Five of five in-silico tools predict a damaging effect of the variant on protein function. The variant was absent in 248974 control chromosomes. c.1468T>A has been reported in the literature in compound heterozygous individuals affected with adult-onset Krabbe Disease (e.g. Iacono_2022) or early infantile Krabbe Disease (e.g. Tappino_2010, Duffner_2011, Wright_2017, Beltran-Quintero_2019) with one report describing a patient asymptomatic apart from decreased GALC activity levels (e.g. Beltran-Quintero_2019). These data indicate that the variant is likely to be associated with disease. At least one publication reports experimental evidence evaluating an impact on protein function. The most pronounced variant effect results in 10%-<30% of normal GALC enzyme activity in vitro (e.g. Saavedra-Martiz_2016). The following publications have been ascertained in the context of this evaluation (PMID: 30777126, 21824559, 35013804, 27638593, 20886637, 28855403). Three submitters have cited clinical-significance assessments for this variant to ClinVar after 2014, classifying the variant as pathogenic (n=1), likely pathogenic (n=1) or uncertain significance (n=1). Based on the evidence outlined above, the variant was classified as likely pathogenic.

GeneDx
Classification: Likely pathogenic. Last evaluated: 2017-06-21. Review status: criteria provided, single submitter. Criteria: GeneDx Variant Classification (06012015). Collection method: clinical testing. Allele origin: germline. Affected: yes.
Comment: A variant that is likely pathogenic has been identified in the GALC gene. The Y490N variant has been reported previously in an individual with a clinical diagnosis of Krabbe disease who was compound heterozygous for Y490N and a second GALC variant; however, insufficient clinical information was provided to confirm diagnosis (Tappino et al., 2010). In vitro expression studies show that Y490N (referred to as Y474N due to alternative nomenclature) causes a reduction of GALC expression (Saavedra-Matiz et al., 2016). The Y490N variant is not observed in large population cohorts (Lek et al., 2016; 1000 Genomes Consortium et al., 2015; Exome Variant Server). The Y490N variant is a semi-conservative amino acid substitution, which may impact secondary protein structure as these residues differ in some properties. This substitution occurs at a position that is conserved across species, and in silico analysis predicts this variant is probably damaging to the protein structure/function. Therefore, this variant is likely pathogenic; however, the possibility that it is benign cannot be excluded.

Counsyl
Classification: Uncertain significance for Galactosylceramide beta-galactosidase deficiency. Last evaluated: 2017-07-17. Review status: no assertion criteria provided. Collection method: clinical testing. Allele origin: unknown. Not counted in ClinVar's aggregate classification.

Literature cited by the submitters: PubMed 20886637 (cited by 3 submitters); PubMed 21824559 (cited by 3 submitters); PubMed 27638593 (cited by 3 submitters); PubMed 30777126 (cited by Women's Health and Genetics/Laboratory Corporation of America, LabCorp); PubMed 35013804 (cited by Women's Health and Genetics/Laboratory Corporation of America, LabCorp); PubMed 28855403 (cited by Women's Health and Genetics/Laboratory Corporation of America, LabCorp).

NM_000153.4(GALC):c.1468T>A (p.Tyr490Asn)

Gene: GALC (galactosylceramidase; minus strand). Cytogenetic location: 14q31.3.
Variant type: single nucleotide variant.
Coding change: c.1468T>A on transcript NM_000153.4 (MANE Select); coding-DNA position 1468, T replaced by A.
Protein change: p.Tyr490Asn; replaces tyrosine 490 with asparagine.
Molecular consequence: missense variant.
Genome position (GRCh38, 1-based): chr14:87,947,749, A>T on the plus strand (T>A on the coding strand, the complement: GALC is on the minus strand). VCF-style: chr14-87947749-A-T. GRCh37 (hg19) VCF-style: chr14-88414093-A-T.
Other names: c.1399T>A, p.Tyr467Asn (NM_001201401.2); c.1390T>A, p.Tyr464Asn (NM_001201402.2); short protein forms Y490N, Y467N, Y464N.
Identifiers: ClinVar variation 431995 (VCV000431995.15), dbSNP rs202135871, ClinGen allele CA264685589.